The following is an entry in ClinVar:

ClinVar aggregate classification (germline): Likely benign (1 of 4 stars; one submission).

Conditions:
Intellectual developmental disorder, X-linked 99. Also called: Intellectual disability, X-linked 99. Identifiers: Orphanet 777, MedGen C3806746, MONDO:0010487, OMIM 300919.

gnomAD v4.1: 2 of 1,196,400 alleles (0.00017%); highest among the groups gnomAD compares: Non-Finnish European, 0.00023%; no homozygotes.

Submission:

Victorian Clinical Genetics Services, Murdoch Childrens Research Institute
Classification: Likely benign for Intellectual developmental disorder, X-linked 99. Last evaluated: 2022-02-02. Review status: criteria provided, single submitter. Criteria: ACMG Guidelines, 2015. Collection method: clinical testing. Allele origin: germline. Affected: yes.
Comment: Based on the classification scheme VCGS_Germline_v1.3.4, this variant is classified as Likely Benign. Following criteria are met: 0102 - Loss of function is a known mechanism of disease in this gene and is associated with X-linked intellectual disability 99 (MIM#300919) and X-linked intellectual disability 99, syndromic, female restricted (MIM#300968). (I) 0108 - This gene is associated with both X-linked recessive and X-linked dominant disease. Partial loss of function missense variants are thought to result in X-linked recessive disease, affecting predominantly males. Variants resulting in a premature termination codon or a more complete loss of function appear to be restricted to females in an X-linked dominant pattern of inheritance (PMID: 31443933, PMID: 26833328). (I) 0200 - Variant is predicted to result in a missense amino acid change from glutamine to leucine. However, this variant is also present near the intron-exon junction and has a potential effect on splicing. (I) 0253 - This variant is hemizygous. (I) 0301 - Variant is absent from gnomAD (both v2 and v3). (SP) 0502 - Missense variant with conflicting in silico predictions and conservation. Splice in silico predictions were inconclusive, but the affected nucleotide is highly conserved. (I) 0604 - Variant is not located in an established domain, motif, hotspot or informative constraint region. (I) 0705 - No comparable missense variants have previous evidence for pathogenicity. (I) 0807 - This variant has no previous evidence of pathogenicity. (I) 0904 - Non-segregation of this variant with the phenotype under investigation has been clearly demonstrated. (SB) 1007 - No published functional evidence has been identified for this variant. (I) 1102 - Strong phenotype match for this individual. (I) Legend: (SP) - Supporting pathogenic, (I) - Information, (SB) - Supporting benign

Literature cited by the submitters: PubMed 26833328; PubMed 31443933.

NM_001039591.3(USP9X):c.6434A>T (p.Gln2145Leu)

Gene: USP9X (ubiquitin specific peptidase 9 X-linked; plus strand). Cytogenetic location: Xp11.4.
Variant type: single nucleotide variant.
Coding change: c.6434A>T on transcript NM_001039591.3 (MANE Select); coding-DNA position 6434, A replaced by T.
Protein change: p.Gln2145Leu; replaces glutamine 2145 with leucine.
Molecular consequence: missense variant.
Genome position (GRCh38, 1-based): chrX:41,218,596, A>T. VCF-style: chrX-41218596-A-T. GRCh37 (hg19) VCF-style: chrX-41077849-A-T.
Other names: c.6434A>T, p.Gln2145Leu (NM_001039590.3); c.6449A>T, p.Gln2150Leu (NM_001410748.1, NM_001410749.1); short protein forms Q2145L, Q2150L.
Identifiers: ClinVar variation 3376895 (VCV003376895.1).
Genomic context (GRCh38, chrX:41,218,596, plus strand): 5'-ATTTTTCCTTGCAAGATGGGCCATGTCCTTCACCTTTTGCCTCTCCTGGACCTTCTAGTC[A>T]GGTAATTGCACAGCTTTCTTTCTAAATGATGAGATGTTTACAAATAAATTGTGTTTCCTG-3'
Protein context (NP_001034680.2, residues 2135-2155): SPFASPGPSS[Gln2145Leu]AYDNLSLSDH